The following is an entry in ClinVar:

ClinVar aggregate classification (germline): Pathogenic (1 of 4 stars; one submission).

Submission:

GeneDx
Classification: Pathogenic. Last evaluated: 2018-09-17. Review status: criteria provided, single submitter. Criteria: GeneDx Variant Classification (06012015). Collection method: clinical testing. Allele origin: germline. Affected: yes.
Comment: The c.8454delC pathogenic variant in the KMT2A gene causes a frameshift starting with codon Serine 2819, changes this amino acid to a Proline residue and creates a premature Stop codon at position 14 of the new reading frame, denoted p.Ser2819ProfsX14. This pathogenic variant is predicted to cause loss of normal protein function either through protein truncation or nonsense-mediated mRNA decay. The c.8454delC variant is not observed in large population cohorts (Lek et al., 2016).

NM_001197104.2(KMT2A):c.8454del (p.Ser2819fs)

Gene: KMT2A (lysine methyltransferase 2A; plus strand). Cytogenetic location: 11q23.3.
Variant type: Deletion.
Coding change: c.8454del on transcript NM_001197104.2 (MANE Select); coding-DNA position 8454, one base deleted (C; older notation c.8454delC).
Protein change: p.Ser2819fs; shifts the reading frame from serine 2819.
Molecular consequence: frameshift variant.
Genome position (GRCh38, 1-based): chr11:118,504,346, C deleted; the last of 5 consecutive C bases (chr11:118,504,342-118,504,346); deleting any one gives the same sequence. VCF-style (leftmost placement, unchanged base first): chr11-118504341-AC-A. GRCh37 (hg19) VCF-style: chr11-118375056-AC-A.
Other names: c.8445del, p.Ser2816fs (NM_005933.4); short protein forms S2816fs, S2819fs.
Identifiers: ClinVar variation 817795 (VCV000817795.1), dbSNP rs1591283456, ClinGen allele CA915947788.
Genomic context (GRCh38, chr11:118,504,341, plus strand): 5'-CAAGATTCCTTGGAAGCTCAGCTCAGCTCATTGGAGTCAAGCCGCAGAGTCCACACAAGT[AC>A]CCCCTCCGACAAAAATTTACTGGACACCTATAATACTGAGCTCCTGAAATCAGATTCAGA-3'